The following is an entry in ClinVar:

ClinVar aggregate classification (germline): Uncertain significance. Review status: criteria provided, multiple submitters, no conflicts (2 of 4 stars). 4 submissions from 4 submitters: Uncertain significance (4). Last evaluated 2025-09-03.

Conditions:
Autosomal recessive ataxia, Beauce type. Also called: Spinocerebellar ataxia, autosomal recessive 8; ATAXIA, RECESSIVE, OF BEAUCE; SYNE1 Deficiency; SYNE1-Related Autosomal Recessive Cerebellar Ataxia. Identifiers: Orphanet 88644, MedGen C1853116, MONDO:0012549, OMIM 610743.
Emery-Dreifuss muscular dystrophy 4, autosomal dominant (EDMD4). Also called: EMERY-DREIFUSS MUSCULAR DYSTROPHY 4 WITH VARIABLE FEATURES. Identifiers: Orphanet 261, MedGen C2751807, MONDO:0013071, OMIM 612998.

Allele frequency attached by ClinVar (database versions not stated): gnomAD exomes 0.00001; TOPMed 0.00002.
gnomAD v4.1: 25 of 1,614,130 alleles (0.0015%); highest among the groups gnomAD compares: Non-Finnish European, 0.0018%; no homozygotes.

Submissions (4):

Labcorp Genetics (formerly Invitae), Labcorp
Classification: Uncertain significance for Emery-Dreifuss muscular dystrophy 4, autosomal dominant; Autosomal recessive ataxia, Beauce type. Last evaluated: 2025-09-03. Review status: criteria provided, single submitter. Criteria: Invitae Variant Classification Sherloc (09022015). Collection method: clinical testing. Allele origin: germline.
Comment: This sequence change replaces arginine, which is basic and polar, with glutamine, which is neutral and polar, at codon 5601 of the SYNE1 protein (p.Arg5601Gln). This variant is not present in population databases (gnomAD no frequency). This variant has not been reported in the literature in individuals affected with SYNE1-related conditions. ClinVar contains an entry for this variant (Variation ID: 285592). An algorithm developed to predict the effect of missense changes on protein structure and function (PolyPhen-2) suggests that this variant is likely to be disruptive. In summary, the available evidence is currently insufficient to determine the role of this variant in disease. Therefore, it has been classified as a Variant of Uncertain Significance.

GeneDx
Classification: Uncertain significance. Last evaluated: 2023-01-06. Review status: criteria provided, single submitter. Criteria: GeneDx Variant Classification Process June 2021. Collection method: clinical testing. Allele origin: germline. Affected: yes.
Comment: Not observed at significant frequency in large population cohorts (gnomAD); In silico analysis supports that this missense variant does not alter protein structure/function; Has not been previously published as pathogenic or benign to our knowledge

Revvity Omics, Revvity
Classification: Uncertain significance. Last evaluated: 2020-11-02. Review status: criteria provided, single submitter. Criteria: ACMG Guidelines, 2015. Collection method: clinical testing. Allele origin: germline.

Eurofins Ntd Llc (ga)
Classification: Uncertain significance. Last evaluated: 2016-02-01. Review status: criteria provided, single submitter. Criteria: EGL Classification Definitions 2015. Collection method: clinical testing. Allele origin: germline. Observed: 1 variant allele, 1 heterozygote.

NM_182961.4(SYNE1):c.17015G>A (p.Arg5672Gln)

Genes: SYNE1 (spectrin repeat containing nuclear envelope protein 1; minus strand), LOC126859837 (BRD4-independent group 4 enhancer GRCh37_chr6:152630775-152631974; plus strand). Cytogenetic location: 6q25.2.
Variant type: single nucleotide variant.
Coding change: c.17015G>A on transcript NM_182961.4 (MANE Select); coding-DNA position 17015, G replaced by A.
Protein change: p.Arg5672Gln; replaces arginine 5672 with glutamine.
Molecular consequence: missense variant.
Genome position (GRCh38, 1-based): chr6:152,310,400, C>T on the plus strand (G>A on the coding strand, the complement: SYNE1 is on the minus strand). VCF-style: chr6-152310400-C-T. GRCh37 (hg19) VCF-style: chr6-152631535-C-T.
Other names: c.16802G>A (NM_033071.3); c.16802G>A, p.Arg5601Gln (NM_033071.5); short protein forms R5601Q, R5672Q.
Identifiers: ClinVar variation 285592 (VCV000285592.15), dbSNP rs886043150, ClinGen allele CA10605172.